The following is an entry in ClinVar:

NM_001378477.3(NYX):c.893G>A (p.Gly298Asp)

Gene: NYX (nyctalopin; plus strand). Cytogenetic location: Xp11.4.
Variant type: single nucleotide variant.
Coding change: c.893G>A on transcript NM_001378477.3 (MANE Select); coding-DNA position 893, G replaced by A.
Protein change: p.Gly298Asp; replaces glycine 298 with aspartic acid.
Molecular consequence: missense variant.
Genome position (GRCh38, 1-based): chrX:41,474,361, G>A. VCF-style: chrX-41474361-G-A. GRCh37 (hg19) VCF-style: chrX-41333614-G-A.
Other names: c.893G>A, p.Gly298Asp (NM_022567.3); short protein forms G298D.
Identifiers: ClinVar variation 2794994 (VCV002794994.3), dbSNP rs2519608319, ClinGen allele CA412991622.

ClinVar aggregate classification (germline): Uncertain significance (1 of 4 stars; one submission).

Submission:

Labcorp Genetics (formerly Invitae), Labcorp
Classification: Uncertain significance. Last evaluated: 2023-04-30. Review status: criteria provided, single submitter. Criteria: Invitae Variant Classification Sherloc (09022015). Collection method: clinical testing. Allele origin: germline.
Comment: In summary, the available evidence is currently insufficient to determine the role of this variant in disease. Therefore, it has been classified as a Variant of Uncertain Significance. Advanced modeling of protein sequence and biophysical properties (such as structural, functional, and spatial information, amino acid conservation, physicochemical variation, residue mobility, and thermodynamic stability) performed at Invitae indicates that this missense variant is not expected to disrupt NYX protein function. This variant has not been reported in the literature in individuals affected with NYX-related conditions. This variant is not present in population databases (gnomAD no frequency). This sequence change replaces glycine, which is neutral and non-polar, with aspartic acid, which is acidic and polar, at codon 303 of the NYX protein (p.Gly303Asp).